The following is an entry in ClinVar:

NM_006904.7(PRKDC):c.10883T>C (p.Phe3628Ser)

Gene: PRKDC (protein kinase, DNA-activated, catalytic subunit; minus strand). Cytogenetic location: 8q11.21.
Variant type: single nucleotide variant.
Coding change: c.10883T>C on transcript NM_006904.7 (MANE Select); coding-DNA position 10883, T replaced by C.
Protein change: p.Phe3628Ser; replaces phenylalanine 3628 with serine.
Molecular consequence: missense variant.
Genome position (GRCh38, 1-based): chr8:47,788,925, A>G on the plus strand (T>C on the coding strand, the complement: PRKDC is on the minus strand). VCF-style: chr8-47788925-A-G. GRCh37 (hg19) VCF-style: chr8-48701486-A-G.
Other names: c.10883T>C, p.Phe3628Ser (NM_001081640.2); short protein forms F3628S.
Identifiers: ClinVar variation 3425267 (VCV003425267.1).
Genomic context (GRCh38, chr8:47,788,925, plus strand): 5'-ACGACTCTGCTATCAAAATAGCAGGCTGTGCCAGTCCATACCTGAATAAACTTCCTTCTA[A>G]AGGCCCCCAGGCCTGGAGCCTTTGGGTCACCCAAGGCTGCATACATTCTTTCATACATTT-3'
Protein context (NP_008835.5, residues 3618-3638): GDPKAPGLGA[Phe3628Ser]RRKFIQTFGK

ClinVar aggregate classification (germline): Uncertain significance (1 of 4 stars; one submission).

Submission:

Ambry Genetics
Classification: Uncertain significance. Last evaluated: 2024-07-03. Review status: criteria provided, single submitter. Criteria: Ambry Variant Classification Scheme 2023. Collection method: clinical testing. Allele origin: germline.
Comment: The p.F3628S variant (also known as c.10883T>C), located in coding exon 76 of the PRKDC gene, results from a T to C substitution at nucleotide position 10883. The phenylalanine at codon 3628 is replaced by serine, an amino acid with highly dissimilar properties. This amino acid position is conserved. Based on the available evidence, the clinical significance of this variant remains unclear.